The following is an entry in ClinVar:

ClinVar aggregate classification (germline): Pathogenic/Likely pathogenic. Review status: criteria provided, multiple submitters, no conflicts (2 of 4 stars). 2 submissions from 2 submitters: Pathogenic (1); Likely pathogenic (1). Last evaluated 2023-05-27.

Conditions:
Lysinuric protein intolerance (LPI). Identifiers: Orphanet 470, MedGen C0268647, MONDO:0009109, OMIM 222700.

Allele frequency attached by ClinVar (database versions not stated): gnomAD exomes below 0.00001; TOPMed below 0.00001.
gnomAD v4.1: 1 of 1,613,958 alleles (0.000062%); highest among the groups gnomAD compares: East Asian, 0.0022%; no homozygotes.

Submissions (2):

Baylor Genetics
Classification: Likely pathogenic for Lysinuric protein intolerance. Last evaluated: 2023-05-27. Review status: criteria provided, single submitter. Criteria: ACMG Guidelines, 2015. Collection method: clinical testing. Allele origin: unknown.

Labcorp Genetics (formerly Invitae), Labcorp
Classification: Pathogenic for Lysinuric protein intolerance. Last evaluated: 2021-05-21. Review status: criteria provided, single submitter. Criteria: Invitae Variant Classification Sherloc (09022015). Collection method: clinical testing. Allele origin: germline.
Comment: For these reasons, this variant has been classified as Pathogenic. This variant has not been reported in the literature in individuals with SLC7A7-related conditions. This variant is not present in population databases (ExAC no frequency). This sequence change creates a premature translational stop signal (p.Trp310*) in the SLC7A7 gene. It is expected to result in an absent or disrupted protein product. Loss-of-function variants in SLC7A7 are known to be pathogenic (PMID: 10631139, 17764084).

Literature cited by the submitters: PubMed 10631139 (cited by Labcorp Genetics (formerly Invitae), Labcorp); PubMed 17764084 (cited by Labcorp Genetics (formerly Invitae), Labcorp).

NM_003982.4(SLC7A7):c.930G>A (p.Trp310Ter)

Gene: SLC7A7 (solute carrier family 7 member 7; minus strand). Cytogenetic location: 14q11.2.
Variant type: single nucleotide variant.
Coding change: c.930G>A on transcript NM_003982.4 (MANE Select); coding-DNA position 930, G replaced by A.
Protein change: p.Trp310Ter; replaces tryptophan 310 with a stop codon.
Molecular consequence: nonsense.
Genome position (GRCh38, 1-based): chr14:22,775,901, C>T on the plus strand (G>A on the coding strand, the complement: SLC7A7 is on the minus strand). VCF-style: chr14-22775901-C-T. GRCh37 (hg19) VCF-style: chr14-23245110-C-T.
Other names: c.930G>A, p.Trp310Ter (NM_001126105.3, NM_001126106.4); short protein forms W310*.
Identifiers: ClinVar variation 1384004 (VCV001384004.7), dbSNP rs2038594225, ClinGen allele CA388923378.